The following is an entry in ClinVar:

NM_004371.4(COPA):c.728A>G (p.Asp243Gly)

Gene: COPA (coat protein complex I subunit alpha; minus strand). Cytogenetic location: 1q23.2.
Variant type: single nucleotide variant.
Coding change: c.728A>G on transcript NM_004371.4 (MANE Select); coding-DNA position 728, A replaced by G.
Protein change: p.Asp243Gly; replaces aspartic acid 243 with glycine.
Molecular consequence: missense variant.
Genome position (GRCh38, 1-based): chr1:160,314,104, T>C on the plus strand (A>G on the coding strand, the complement: COPA is on the minus strand). VCF-style: chr1-160314104-T-C. GRCh37 (hg19) VCF-style: chr1-160283894-T-C.
Other names: c.728A>G, p.Asp243Gly (NM_001098398.2, LRG_1336t1); short protein forms D243G.
Identifiers: ClinVar variation 199255 (VCV000199255.9), dbSNP rs794727994, ClinGen allele CA334832.

ClinVar aggregate classification (germline): Conflicting classifications of pathogenicity. Review status: criteria provided, conflicting classifications (1 of 4 stars). 3 submissions from 3 submitters: Pathogenic (1); Uncertain significance (1). 1 of the submissions does not count toward it. Last evaluated 2021-08-10.

Conditions:
Autoimmune interstitial lung disease-arthritis syndrome. Also called: Autoinflammation and autoimmunity, systemic, with immune dysregulation. Identifiers: Orphanet 444092, MedGen C5975714, MONDO:0014629.

Submissions (3):

Labcorp Genetics (formerly Invitae), Labcorp
Classification: Uncertain significance for Autoimmune interstitial lung disease-arthritis syndrome. Last evaluated: 2021-08-10. Review status: criteria provided, single submitter. Criteria: Invitae Variant Classification Sherloc (09022015). Collection method: clinical testing. Allele origin: germline.
Comment: In summary, the available evidence is currently insufficient to determine the role of this variant in disease. Therefore, it has been classified as a Variant of Uncertain Significance. Algorithms developed to predict the effect of sequence changes on RNA splicing suggest that this variant may create or strengthen a splice site. Experimental studies have shown that this missense change affects COPA function (PMID: 25894502). Advanced modeling of protein sequence and biophysical properties (such as structural, functional, and spatial information, amino acid conservation, physicochemical variation, residue mobility, and thermodynamic stability) performed at Invitae indicates that this missense variant is not expected to disrupt COPA protein function. ClinVar contains an entry for this variant (Variation ID: 199255). This missense change has been observed in individual(s) with clinical features of autoimmune interstitial lung, joint, and kidney disease (PMID: 25894502). It has also been observed to segregate with disease in related individuals. This variant is not present in population databases (ExAC no frequency). This sequence change replaces aspartic acid with glycine at codon 243 of the COPA protein (p.Asp243Gly). The aspartic acid residue is highly conserved and there is a moderate physicochemical difference between aspartic acid and glycine.

Lupski Lab, Baylor-Hopkins CMG, Baylor College of Medicine
Classification: Pathogenic for Autoinflammation and autoimmunity with immune dysregulation 1. Last evaluated: 2015-04-20. Review status: criteria provided, single submitter. Criteria: Watkin et al. (Nat Genet 2015). Collection method: research. Allele origin: inherited. Inheritance: Autosomal dominant inheritance. Affected: yes and no. Observed: 7 variant alleles, 7 heterozygotes.
Comment: Segregates with the phenotype in an affected family. The family showed incomplete penetrance, with unaffected carriers over three generations.

OMIM
Classification: Pathogenic for AUTOINFLAMMATION AND AUTOIMMUNITY, SYSTEMIC, WITH IMMUNE DYSREGULATION 1. Last evaluated: 2015-06-01. Review status: no assertion criteria provided. Collection method: literature only. Allele origin: germline. Not counted in ClinVar's aggregate classification.

Literature cited by the submitters: PubMed 25894502 (cited by Labcorp Genetics (formerly Invitae), Labcorp and OMIM).